The following is an entry in ClinVar:

NM_001371279.1(REEP1):c.418-2A>C

Gene: REEP1 (receptor accessory protein 1; minus strand). Cytogenetic location: 2p11.2.
Variant type: single nucleotide variant.
Coding change: c.418-2A>C on transcript NM_001371279.1 (MANE Select); the canonical splice acceptor site of the intron before coding-DNA position 418, A replaced by C.
Molecular consequence: splice acceptor variant. On other transcripts: intron variant (1).
Genome position (GRCh38, 1-based): chr2:86,232,804, T>G on the plus strand (A>C on the coding strand, the complement: REEP1 is on the minus strand). VCF-style: chr2-86232804-T-G. GRCh37 (hg19) VCF-style: chr2-86459927-T-G.
Other names: c.439-2A>C (NM_001164730.2); c.337-2A>C (NM_001164731.2); c.183-2A>C (NM_001164732.2); c.418-15694A>C (NM_001371280.1); c.418-2A>C (NM_022912.3, NM_001410855.1, NM_001410856.1).
Identifiers: ClinVar variation 2008310 (VCV002008310.4), dbSNP rs2468710100, ClinGen allele CA347547778.
Genomic context (GRCh38, chr2:86,232,804, plus strand): 5'-ATGGTGGTGAGGTCCTGCATGCTGAAGCTCCGCAGTCTCTCCGATAAGGCACCCTGTCCC[T>G]GGATACAACACAGGAGGGGCACACGTCAGAGGTCCTGCTCCACAGGTCACACTCGACAAA-3'

ClinVar aggregate classification (germline): Likely pathogenic (1 of 4 stars; one submission).

Conditions:
Hereditary spastic paraplegia 31. Also called: SPASTIC PARAPLEGIA 31, AUTOSOMAL DOMINANT. Identifiers: Orphanet 101011, MedGen C1853247, MONDO:0012453, OMIM 610250.

Submission:

Labcorp Genetics (formerly Invitae), Labcorp
Classification: Likely pathogenic for Hereditary spastic paraplegia 31. Last evaluated: 2022-06-19. Review status: criteria provided, single submitter. Criteria: Invitae Variant Classification Sherloc (09022015). Collection method: clinical testing. Allele origin: germline.
Comment: In summary, the currently available evidence indicates that the variant is pathogenic, but additional data are needed to prove that conclusively. Therefore, this variant has been classified as Likely Pathogenic. Algorithms developed to predict the effect of sequence changes on RNA splicing suggest that this variant may disrupt the consensus splice site. This variant has not been reported in the literature in individuals affected with REEP1-related conditions. This variant is not present in population databases (gnomAD no frequency). This sequence change affects an acceptor splice site in intron 5 of the REEP1 gene. It is expected to disrupt RNA splicing. Variants that disrupt the donor or acceptor splice site typically lead to a loss of protein function (PMID: 16199547), and loss-of-function variants in REEP1 are known to be pathogenic (PMID: 18321925, 18644145, 22703882).

Literature cited by the submitters: PubMed 16199547; PubMed 18321925; PubMed 18644145; PubMed 22703882.